The following is an entry in ClinVar:

NM_001270974.2(HYDIN):c.11304del (p.Lys3768fs)

Gene: HYDIN (HYDIN axonemal central pair apparatus protein; minus strand). Cytogenetic location: 16q22.2.
Variant type: Deletion.
Coding change: c.11304del on transcript NM_001270974.2 (MANE Select); coding-DNA position 11304, one base deleted (A; older notation c.11304delA).
Protein change: p.Lys3768fs; shifts the reading frame from lysine 3768.
Molecular consequence: frameshift variant.
Genome position (GRCh38, 1-based): chr16:70,868,576, T deleted on the plus strand (A on the coding strand, the reverse complement: HYDIN is on the minus strand); the first of 4 consecutive T bases (chr16:70,868,576-70,868,579); deleting any one gives the same sequence. VCF-style (leftmost placement, unchanged base first): chr16-70868575-GT-G. GRCh37 (hg19) VCF-style: chr16-70902478-GT-G.
Other names: short protein forms K3768fs.
Identifiers: ClinVar variation 932110 (VCV000932110.3), dbSNP rs2039914110, ClinGen allele CA496246731.

ClinVar aggregate classification (germline): Likely pathogenic (1 of 4 stars; one submission).

Conditions:
Primary ciliary dyskinesia 5. Also called: CILIARY DYSKINESIA, PRIMARY, 5, WITHOUT SITUS INVERSUS. Identifiers: Orphanet 244, MedGen C1837615, MONDO:0012088, OMIM 608647.

Submission:

Centre for Mendelian Genomics, University Medical Centre Ljubljana
Classification: Likely pathogenic for Primary ciliary dyskinesia 5. Last evaluated: 2019-08-14. Review status: criteria provided, single submitter. Criteria: ACMG Guidelines, 2015. Collection method: clinical testing. Allele origin: unknown. Affected: yes.
Comment: This variant was classified as: Likely pathogenic. The following ACMG criteria were applied in classifying this variant: PVS1,PM2.